The following is an entry in ClinVar:

ClinVar aggregate classification (germline): Uncertain significance (1 of 4 stars; one submission).

Submission:

GeneDx
Classification: Uncertain significance. Last evaluated: 2026-02-20. Review status: criteria provided, single submitter. Criteria: GeneDx Variant Classification Process June 2021. Collection method: clinical testing. Allele origin: germline.
Comment: Not observed at significant frequency in large population cohorts (gnomAD); Has not been previously published as pathogenic or benign to our knowledge; Nonsense variant predicted to result in protein truncation as the last 11 amino acids are lost with an unclear effect on protein function

NM_012200.4(B3GAT3):c.973C>T (p.Gln325Ter)

Gene: B3GAT3 (beta-1,3-glucuronyltransferase 3; minus strand). Cytogenetic location: 11q12.3.
Variant type: single nucleotide variant.
Coding change: c.973C>T on transcript NM_012200.4 (MANE Select); coding-DNA position 973, C replaced by T.
Protein change: p.Gln325Ter; replaces glutamine 325 with a stop codon.
Molecular consequence: nonsense. On other transcripts: 3 prime UTR variant (2), non-coding transcript variant (1).
Genome position (GRCh38, 1-based): chr11:62,615,736, G>A on the plus strand (C>T on the coding strand, the complement: B3GAT3 is on the minus strand). VCF-style: chr11-62615736-G-A. GRCh37 (hg19) VCF-style: chr11-62383208-G-A.
Other names: c.952C>T, p.Gln318Ter (NM_001288721.2); c.*450C>T (NM_001288722.2); c.*466C>T (NM_001288723.2); short protein forms Q325*, Q318*.
Identifiers: ClinVar variation 5009932 (VCV005009932.1).
Genomic context (GRCh38, chr11:62,615,736, plus strand): 5'-GGTGGTAGTTGGGGTGGGGCCGCCATCACACCTCAATTGCTGGGTCTGAGCCCCGGCCCT[G>A]CCGCTGCAGCTGCTCCTCCTGCTTCATCTTGGGCTTCTCTGTCCGAGTATGCCACACCAG-3'